The following is an entry in ClinVar:

ClinVar aggregate classification (germline): Uncertain significance (1 of 4 stars; one submission).

Conditions:
Kabuki syndrome. Also called: NIIKAWA-KUROKI SYNDROME; Kabuki make-up syndrome. Identifiers: Orphanet 2322, MedGen C0796004, MONDO:0016512.

Submission:

Labcorp Genetics (formerly Invitae), Labcorp
Classification: Uncertain significance for Kabuki syndrome. Last evaluated: 2022-12-15. Review status: criteria provided, single submitter. Criteria: Invitae Variant Classification Sherloc (09022015). Collection method: clinical testing. Allele origin: germline.
Comment: In summary, the available evidence is currently insufficient to determine the role of this variant in disease. Therefore, it has been classified as a Variant of Uncertain Significance. Advanced modeling of protein sequence and biophysical properties (such as structural, functional, and spatial information, amino acid conservation, physicochemical variation, residue mobility, and thermodynamic stability) performed at Invitae indicates that this missense variant is not expected to disrupt KMT2D protein function. This variant has not been reported in the literature in individuals affected with KMT2D-related conditions. This variant is not present in population databases (gnomAD no frequency). This sequence change replaces glutamine, which is neutral and polar, with histidine, which is basic and polar, at codon 3279 of the KMT2D protein (p.Gln3279His).

NM_003482.4(KMT2D):c.9837G>T (p.Gln3279His)

Gene: KMT2D (lysine methyltransferase 2D; minus strand). Cytogenetic location: 12q13.12.
Variant type: single nucleotide variant.
Coding change: c.9837G>T on transcript NM_003482.4 (MANE Select); coding-DNA position 9837, G replaced by T.
Protein change: p.Gln3279His; replaces glutamine 3279 with histidine.
Molecular consequence: missense variant.
Genome position (GRCh38, 1-based): chr12:49,037,519, C>A on the plus strand (G>T on the coding strand, the complement: KMT2D is on the minus strand). VCF-style: chr12-49037519-C-A. GRCh37 (hg19) VCF-style: chr12-49431302-C-A.
Other names: short protein forms Q3279H.
Identifiers: ClinVar variation 2867795 (VCV002867795.3), dbSNP rs778777824, ClinGen allele CA6546643.